The following is an entry in ClinVar:

NM_000292.3(PHKA2):c.3565G>A (p.Glu1189Lys)

Genes: PHKA2 (phosphorylase kinase regulatory subunit alpha 2; minus strand), PHKA2-AS1 (PHKA2 antisense RNA 1; plus strand). Cytogenetic location: Xp22.13.
Variant type: single nucleotide variant.
Coding change: c.3565G>A on transcript NM_000292.3 (MANE Select); coding-DNA position 3565, G replaced by A.
Protein change: p.Glu1189Lys; replaces glutamic acid 1189 with lysine.
Molecular consequence: missense variant.
Genome position (GRCh38, 1-based): chrX:18,893,628, C>T on the plus strand (G>A on the coding strand, the complement: PHKA2 is on the minus strand). VCF-style: chrX-18893628-C-T. GRCh37 (hg19) VCF-style: chrX-18911746-C-T.
Other names: short protein forms E1189K.
Identifiers: ClinVar variation 3061037 (VCV003061037.3), dbSNP rs745392510, ClinGen allele CA10361260.

ClinVar aggregate classification (germline): Likely benign. Review status: criteria provided, single submitter (1 of 4 stars). 2 submissions from 2 submitters: Likely benign (1). 1 of the submissions does not count toward it. Last evaluated 2026-01-13.

Conditions:
PHKA2-related disorder. Also called: PHKA2-related condition.
Glycogen storage disease IXa1. Also called: Glycogen storage disease 8; LIVER GLYCOGENOSIS, X-LINKED, TYPE I; GLYCOGEN STORAGE DISEASE VIII; GSD VIII. Identifiers: Orphanet 264580, MedGen C3694531, MONDO:0010598, OMIM 306000.

Allele frequency attached by ClinVar (database versions not stated): gnomAD 0.00001; gnomAD exomes 0.00007; ExAC 0.00023.
gnomAD v4.1: 76 of 1,210,198 alleles (0.0063%); highest among the groups gnomAD compares: South Asian, 0.13%; 1 homozygote.

Submissions (2):

Labcorp Genetics (formerly Invitae), Labcorp
Classification: Likely benign for Glycogen storage disease IXa1. Last evaluated: 2026-01-13. Review status: criteria provided, single submitter. Criteria: Invitae Variant Classification Sherloc (09022015). Collection method: clinical testing. Allele origin: germline.

PreventionGenetics, part of Exact Sciences
Classification: Likely benign for PHKA2-related condition. Last evaluated: 2022-01-17. Review status: no assertion criteria provided. Collection method: clinical testing. Allele origin: germline. Not counted in ClinVar's aggregate classification.
Comment: This variant is classified as likely benign based on ACMG/AMP sequence variant interpretation guidelines (Richards et al. 2015 PMID: 25741868, with internal and published modifications).